The following is an entry in ClinVar:

NM_000548.5(TSC2):c.1096G>C (p.Glu366Gln)

Gene: TSC2 (TSC complex subunit 2; plus strand). Cytogenetic location: 16p13.3.
Variant type: single nucleotide variant.
Coding change: c.1096G>C on transcript NM_000548.5 (MANE Select); coding-DNA position 1096, G replaced by C.
Protein change: p.Glu366Gln; replaces glutamic acid 366 with glutamine.
Molecular consequence: missense variant.
Genome position (GRCh38, 1-based): chr16:2,060,790, G>C. VCF-style: chr16-2060790-G-C. GRCh37 (hg19) VCF-style: chr16-2110791-G-C.
Other names: c.1096G>C, p.Glu366Gln (NM_001077183.3, NM_001114382.3, NM_001363528.2 and 3 more transcripts); c.985G>C, p.Glu329Gln (NM_001318827.2); c.949G>C, p.Glu317Gln (NM_001318829.2); c.496G>C, p.Glu166Gln (NM_001318831.2); c.1129G>C, p.Glu377Gln (NM_001318832.2); short protein forms E366Q, E329Q, E166Q, E317Q, E377Q.
Identifiers: ClinVar variation 535916 (VCV000535916.15), dbSNP rs45517148, ClinGen allele CA276776700.

ClinVar aggregate classification (germline): Conflicting classifications of pathogenicity. Review status: criteria provided, conflicting classifications (1 of 4 stars). 5 submissions from 5 submitters: Uncertain significance (4); Benign (1). Last evaluated 2025-12-22.

Conditions:
Hereditary cancer-predisposing syndrome. Also called: Neoplastic Syndromes, Hereditary; Tumor predisposition; Hereditary Cancer Syndrome; Hereditary neoplastic syndrome. Identifiers: Orphanet 140162, MedGen C0027672, MeSH D009386, MONDO:0015356.
Tuberous sclerosis syndrome (TSC). Also called: Tuberous Sclerosis Complex; Tuberous sclerosis. Identifiers: Orphanet 805, MedGen C0041341, MONDO:0001734.
Tuberous sclerosis 2 (TSC2). Identifiers: Orphanet 805, MedGen C1860707, MONDO:0013199, OMIM 613254.
Isolated focal cortical dysplasia type II (FCORD2). Also called: Focal cortical dysplasia type II; CORTICAL DYSPLASIA OF TAYLOR. Identifiers: Orphanet 268994, MedGen C1846385, MONDO:0011818, OMIM 607341, HP:0032051.
Lymphangiomyomatosis (LAM). Also called: Lymphangioleiomyomatosis; Lymphangioleiomyomatosis, somatic. Identifiers: Orphanet 538, MedGen C0751674, MONDO:0011705, OMIM 606690.

Allele frequency attached by ClinVar (database versions not stated): TOPMed 0.00001.
gnomAD v4.1: 2 of 1,613,602 alleles (0.00012%); highest among the groups gnomAD compares: African/African-American, 0.0027%; no homozygotes.

Submissions (5):

Labcorp Genetics (formerly Invitae), Labcorp
Classification: Benign for Tuberous sclerosis 2. Last evaluated: 2025-12-22. Review status: criteria provided, single submitter. Criteria: Invitae Variant Classification Sherloc (09022015). Collection method: clinical testing. Allele origin: germline.

Ambry Genetics
Classification: Uncertain significance for Hereditary cancer-predisposing syndrome. Last evaluated: 2024-08-28. Review status: criteria provided, single submitter. Criteria: Ambry Variant Classification Scheme 2023. Collection method: clinical testing. Allele origin: germline.
Comment: The p.E366Q variant (also known as c.1096G>C), located in coding exon 10 of the TSC2 gene, results from a G to C substitution at nucleotide position 1096. The glutamic acid at codon 366 is replaced by glutamine, an amino acid with highly similar properties. This amino acid position is highly conserved in available vertebrate species. In addition, the in silico prediction for this alteration is inconclusive. Based on the available evidence, the clinical significance of this variant remains unclear.

All of Us Research Program, National Institutes of Health
Classification: Uncertain significance for Tuberous sclerosis syndrome. Last evaluated: 2023-11-30. Review status: criteria provided, single submitter. Criteria: ACMG Guidelines, 2015. Collection method: clinical testing. Allele origin: germline. Inheritance: Autosomal dominant inheritance. Observed: 1 variant allele, 1 heterozygote.
Comment: This missense variant replaces glutamic acid with glutamine at codon 366 of the TSC2 protein. Computational prediction suggests that this variant may not impact protein structure and function (internally defined REVEL score threshold <= 0.5, PMID: 27666373). To our knowledge, functional studies have not been reported for this variant. This variant has not been reported in individuals affected with tuberous sclerosis complex in the literature. This variant has been identified in 1/250732 chromosomes in the general population by the Genome Aggregation Database (gnomAD). The available evidence is insufficient to determine the role of this variant in disease conclusively. Therefore, this variant is classified as a Variant of Uncertain Significance.

This study involves interpretation of variants in research participants for the purpose of population health screening. Participant phenotype was not available at the time of variant classification. Additional details can be found in publication PMID: 35346344, PMCID: PMC8962531

GeneDx
Classification: Uncertain significance. Last evaluated: 2022-09-08. Review status: criteria provided, single submitter. Criteria: GeneDx Variant Classification Process June 2021. Collection method: clinical testing. Allele origin: germline. Affected: yes.
Comment: In silico analysis supports that this missense variant does not alter protein structure/function; Has not been previously published as pathogenic or benign to our knowledge

Fulgent Genetics
Classification: Uncertain significance for Lymphangiomyomatosis; Isolated focal cortical dysplasia type II; Tuberous sclerosis 2. Last evaluated: 2022-04-21. Review status: criteria provided, single submitter. Criteria: ACMG Guidelines, 2015. Collection method: clinical testing. Allele origin: unknown.